The following is an entry in ClinVar:

ClinVar aggregate classification (germline): Conflicting classifications of pathogenicity. Review status: criteria provided, conflicting classifications (1 of 4 stars). 13 submissions from 13 submitters: Uncertain significance (10); Benign (1). 2 of the submissions do not count toward it. Last evaluated 2025-11-17.

Conditions:
BRCA1-related cancer predisposition. Identifiers: MedGen CN377757, MONDO:0700268.
Hereditary cancer-predisposing syndrome. Also called: Tumor predisposition; Hereditary neoplastic syndrome; Hereditary Cancer Syndrome; Neoplastic Syndromes, Hereditary. Identifiers: Orphanet 140162, MedGen C0027672, MeSH D009386, MONDO:0015356.
Breast neoplasm. Also called: Breast Neoplasms; Neoplasm of breast; Neoplasm of the breast; Breast tumor. Identifiers: MedGen C1458155, MeSH D001943, MONDO:0021100, HP:0100013. Disease mechanism: gain of function.
Hereditary breast ovarian cancer syndrome. Also called: Hereditary breast and ovarian cancer; Hereditary breast and/or ovarian cancer syndrome; BRCA1- and BRCA2-Associated Hereditary Breast and Ovarian Cancer; Hereditary breast and ovarian cancer syndrome (HBOC); Hereditary breast and ovarian cancer syndrome; Breast and ovarian cancer. Identifiers: Orphanet 145, MedGen C0677776, MeSH D061325, MONDO:0003582. Disease mechanism: loss of function.
Breast-ovarian cancer, familial, susceptibility to, 1 (BROVCA1). Also called: BRCA1 Hereditary Breast and Ovarian Cancer; OVARIAN CANCER, SUSCEPTIBILITY TO. Identifiers: Orphanet 145, MedGen C2676676, MONDO:0011450, OMIM 604370. Disease mechanism: loss of function.
Familial cancer of breast. Also called: Hereditary breast cancer; hereditary breast carcinoma; BREAST CANCER, FAMILIAL. Identifiers: Orphanet 227535, MedGen C0346153, MONDO:0016419, OMIM 114480. Disease mechanism: loss of function.

Submissions 1 to 9 of 13:

Labcorp Genetics (formerly Invitae), Labcorp
Classification: Uncertain significance for Hereditary breast ovarian cancer syndrome. Last evaluated: 2025-11-17. Review status: criteria provided, single submitter. Criteria: Invitae Variant Classification Sherloc (09022015). Collection method: clinical testing. Allele origin: germline.
Comment: This variant, c.1824_1826del, results in the deletion of 1 amino acid(s) of the BRCA1 protein (p.Lys608del), but otherwise preserves the integrity of the reading frame. This variant is present in population databases (rs587781614, gnomAD 0.004%). This variant has been observed in individual(s) with breast cancer and/or suspected hereditary breast and ovarian cancer (PMID: 27257965, 34981296, 37937776). ClinVar contains an entry for this variant (Variation ID: 141263). Algorithms developed to predict the effect of variants on gene product structure and function are not available or were not evaluated for this variant. Experimental studies have shown that this variant does not substantially affect BRCA1 function (PMID: 32546644). In summary, the available evidence is currently insufficient to determine the role of this variant in disease. Therefore, it has been classified as a Variant of Uncertain Significance.

Ambry Genetics
Classification: Uncertain significance for Hereditary cancer-predisposing syndrome. Last evaluated: 2025-09-16. Review status: criteria provided, single submitter. Criteria: Ambry Variant Classification Scheme 2023. Collection method: clinical testing. Allele origin: germline.
Comment: The c.1824_1826delGAA variant (also known as p.K608del) is located in coding exon 9 of the BRCA1 gene. This variant results from an in-frame GAA deletion at nucleotide positions 1824 to 1826. This results in the in-frame deletion of a lysine at codon 608. This amino acid position is well conserved in available vertebrate species. In addition, this alteration is predicted to be deleterious by in silico analysis (Choi Y et al. PLoS ONE. 2012; 7(10):e46688). Since supporting evidence is limited at this time, the clinical significance of this alteration remains unclear.

Color Diagnostics, LLC DBA Color Health
Classification: Uncertain significance for Hereditary cancer-predisposing syndrome. Last evaluated: 2025-06-17. Review status: criteria provided, single submitter. Criteria: ACMG Guidelines, 2015. Collection method: clinical testing. Allele origin: germline.
Comment: This variant causes an in-frame deletion of one amino acid, lysine, at codon 608 in the BRCA1 protein. To our knowledge, functional studies have not been reported for this variant. This variant has been reported in an individual affected with breast cancer (PMID: 27257965) and in an individual age 70 years or older without cancer in the FLOSSIES database. A multifactorial analysis has reported segregation, tumor pathology, co-occurrence and family history likelihood ratios for pathogenicity of 1.9083, 0.4, 1.0331 and 1.065, respectively (PMID: 31131967). This variant has been identified in 4/251062 chromosomes in the general population by the Genome Aggregation Database (gnomAD). The available evidence is insufficient to determine the role of this variant in disease conclusively. Therefore, this variant is classified as a Variant of Uncertain Significance.

All of Us Research Program, National Institutes of Health
Classification: Uncertain significance for BRCA1-related cancer predisposition. Last evaluated: 2024-06-11. Review status: criteria provided, single submitter. Criteria: ACMG Guidelines, 2015. Collection method: clinical testing. Allele origin: germline. Inheritance: Autosomal dominant inheritance. Observed: 3 variant alleles, 3 heterozygotes.
Comment: This variant causes an in-frame deletion of one amino acid, lysine, at codon 608 in the BRCA1 protein. To our knowledge, functional studies have not been reported for this variant. This variant has been reported in an individual affected with breast cancer (PMID: 27257965) and in an individual age 70 years or older without cancer in the FLOSSIES database. A multifactorial analysis has reported segregation, tumor pathology, co-occurrence and family history likelihood ratios for pathogenicity of 1.9083, 0.4, 1.0331 and 1.065, respectively (PMID: 31131967). This variant has been identified in 4/251062 chromosomes in the general population by the Genome Aggregation Database (gnomAD). The available evidence is insufficient to determine the role of this variant in disease conclusively. Therefore, this variant is classified as a Variant of Uncertain Significance.

This study involves interpretation of variants in research participants for the purpose of population health screening. Participant phenotype was not available at the time of variant classification. Additional details can be found in publication PMID: 35346344, PMCID: PMC8962531

MGZ Medical Genetics Center
Classification: Benign for Familial cancer of breast. Last evaluated: 2024-02-09. Review status: criteria provided, single submitter. Criteria: CSpec BRCA1/2ACMG Rules Specifications V1.1.0. Collection method: clinical testing. Allele origin: germline. Affected: yes.
Comment: ACMG codes applied following ENIGMA VCEP rules: BP1_STR, BS3

GeneDx
Classification: Uncertain significance. Last evaluated: 2023-02-16. Review status: criteria provided, single submitter. Criteria: GeneDx Variant Classification Process June 2021. Collection method: clinical testing. Allele origin: germline. Affected: yes.
Comment: In-frame deletion of 1 amino acids in a non-repeat region; Not observed at significant frequency in large population cohorts (gnomAD); In silico analysis supports that this variant does not alter protein structure/function; Published protein-based functional assays suggest no damaging effect: neutral in three homologous recombination repair complementation assays (Bouwman et al., 2020); Also known as 1943_1945delGAA; This variant is associated with the following publications: (PMID: 15343273, 20104584, 31131967, 32546644, 30702160, 31825140, 27257965)

CeGaT Center for Human Genetics Tuebingen
Classification: Uncertain significance. Last evaluated: 2019-10-01. Review status: criteria provided, single submitter. Criteria: CeGaT Center For Human Genetics Tuebingen Variant Classification Criteria Version 2. Collection method: clinical testing. Allele origin: germline. Affected: yes. Observed: 1 variant allele.

Quest Diagnostics Nichols Institute San Juan Capistrano
Classification: Uncertain significance. Last evaluated: 2018-01-08. Review status: criteria provided, single submitter. Criteria: Quest Diagnostics criteria. Collection method: clinical testing. Allele origin: germline.

Genetic Services Laboratory, University of Chicago
Classification: Uncertain significance. Last evaluated: 2017-12-05. Review status: criteria provided, single submitter. Criteria: ACMG Guidelines, 2015. Collection method: clinical testing. Allele origin: germline. Affected: no.

NM_007294.4(BRCA1):c.1824_1826del (p.Lys608del)

Gene: BRCA1 (BRCA1 DNA repair associated; minus strand). Cytogenetic location: 17q21.31.
Variant type: Deletion.
Coding change: c.1824_1826del on transcript NM_007294.4 (MANE Select); coding-DNA positions 1824 to 1826, 3 bases deleted (GAA; older notation c.1824_1826delGAA).
Protein change: p.Lys608del; deletes lysine 608.
Molecular consequence: inframe deletion. On other transcripts: inframe indel (1), intron variant (137).
Genome position (GRCh38, 1-based): chr17:43,093,705-43,093,707, TTC deleted on the plus strand (GAA on the coding strand, the reverse complement: BRCA1 is on the minus strand); deleting any 3 consecutive bases within chr17:43,093,705-43,093,709 gives the same sequence; the c. name uses the placement nearest the transcript's 3' end. VCF-style (leftmost placement, unchanged base first): chr17-43093704-ATTC-A. GRCh37 (hg19) VCF-style: chr17-41245721-ATTC-A.
Other names: c.1611_1613del, p.Lys537del (NM_001407571.1, NM_001407853.1, NM_001407894.1 and 9 more transcripts); c.1824_1826del, p.Lys608del (NM_001407581.1, NM_001407582.1, NM_001407583.1 and 30 more transcripts); c.1821_1823del, p.Lys607del (NM_001407587.1, NM_001407610.1, NM_001407611.1 and 22 more transcripts); c.1815_1817del, p.Lys605del (NM_001407646.1, NM_001407647.1); c.1701_1703del, p.Lys567del (NM_001407648.1, NM_001407665.1, NM_001407666.1 and 19 more transcripts); c.1698_1700del, p.Lys566del (NM_001407649.1, NM_001407670.1, NM_001407671.1 and 11 more transcripts); c.1746_1748del, p.Lys582del (NM_001407653.1, NM_001407654.1, NM_001407655.1 and 4 more transcripts); c.1683_1685del, p.Lys561del (NM_001407692.1, NM_001407727.1, NM_001407728.1 and 29 more transcripts); and 41 more; short protein forms K608del, K561del, K312del, K440del, K481del, K538del, K566del, K581del.
Identifiers: ClinVar variation 141263 (VCV000141263.68), dbSNP rs587781614, ClinGen allele CA353755.